The following is an entry in ClinVar:

NM_001854.4(COL11A1):c.4526A>C (p.Gln1509Pro)

Gene: COL11A1 (collagen type XI alpha 1 chain; minus strand). Cytogenetic location: 1p21.1.
Variant type: single nucleotide variant.
Coding change: c.4526A>C on transcript NM_001854.4 (MANE Select); coding-DNA position 4526, A replaced by C.
Protein change: p.Gln1509Pro; replaces glutamine 1509 with proline.
Molecular consequence: missense variant. On other transcripts: non-coding transcript variant (1).
Genome position (GRCh38, 1-based): chr1:102,888,751, T>G on the plus strand (A>C on the coding strand, the complement: COL11A1 is on the minus strand). VCF-style: chr1-102888751-T-G. GRCh37 (hg19) VCF-style: chr1-103354307-T-G.
Other names: c.4409A>C, p.Gln1470Pro (NM_001190709.2); c.4562A>C, p.Gln1521Pro (NM_080629.3); c.4178A>C, p.Gln1393Pro (NM_080630.4); short protein forms Q1509P, Q1521P, Q1393P, Q1470P.
Identifiers: ClinVar variation 382691 (VCV000382691.13), dbSNP rs1057521422, ClinGen allele CA16603373.
Genomic context (GRCh38, chr1:102,888,751, plus strand): 5'-AAAATTAAATTGTCAAAGGGAAAAGTACTTACAGTAGAGCCTTTGTTACCCTTTGGGCCT[T>G]GAGGACCCTACAAAATGCAAATGCAAAAGCACAGATAAAAATCTGGAGCATTTGTGTCTC-3'
Protein context (NP_001845.3, residues 1499-1519): PPGPPGLPGP[Gln1509Pro]GPKGNKGSTG

ClinVar aggregate classification (germline): Uncertain significance. Review status: criteria provided, multiple submitters, no conflicts (2 of 4 stars). 3 submissions from 3 submitters: Uncertain significance (3). Last evaluated 2025-12-19.

Conditions:
Stickler syndrome type 2 (STL2). Also called: COL11A1-Related Stickler Syndrome; STICKLER SYNDROME, BEADED VITREOUS TYPE; STICKLER SYNDROME, VITREOUS TYPE 2; STICKLER SYNDROME, TYPE II. Identifiers: Orphanet 828, Orphanet 90654, MedGen C1858084, MONDO:0011493, OMIM 604841.

Allele frequency attached by ClinVar (database versions not stated): gnomAD 0.00001; gnomAD exomes 0.00001 and 0.00003; TOPMed 0.00001.
gnomAD v4.1: 19 of 1,613,850 alleles (0.0012%); highest among the groups gnomAD compares: Middle Eastern, 0.21%; no homozygotes.

Submissions (3):

Labcorp Genetics (formerly Invitae), Labcorp
Classification: Uncertain significance. Last evaluated: 2025-12-19. Review status: criteria provided, single submitter. Criteria: Invitae Variant Classification Sherloc (09022015). Collection method: clinical testing. Allele origin: germline.
Comment: This sequence change replaces glutamine, which is neutral and polar, with proline, which is neutral and non-polar, at codon 1509 of the COL11A1 protein (p.Gln1509Pro). This variant is present in population databases (no rsID available, gnomAD 0.01%). This missense change has been observed in individual(s) with clinical features of COL11A1-related conditions (PMID: 30919572). ClinVar contains an entry for this variant (Variation ID: 382691). Invitae Evidence Modeling of protein sequence and biophysical properties (such as structural, functional, and spatial information, amino acid conservation, physicochemical variation, residue mobility, and thermodynamic stability) indicates that this missense variant is not expected to disrupt COL11A1 protein function with a negative predictive value of 80%. In summary, the available evidence is currently insufficient to determine the role of this variant in disease. Therefore, it has been classified as a Variant of Uncertain Significance.

GeneDx
Classification: Uncertain significance. Last evaluated: 2025-12-09. Review status: criteria provided, single submitter. Criteria: GeneDx Variant Classification Process June 2021. Collection method: clinical testing. Allele origin: germline. Affected: yes.
Comment: Reported in a patient with osteoporosis in published literature (PMID: 30919572); Identified in a patient with bilateral sensorineural hearing loss in published literature who also harbored variants of uncertain significance in other genes associated with hearing loss (PMID: 38378725); Not observed at significant frequency in large population cohorts (gnomAD); Observed in multiple heterozygous individuals and one homozygous individual from a Qatari Biobank cohort, however clinical information was not provided (PMID: 36777185); In silico analysis suggests that this missense variant does not alter protein structure/function; Occurs in the triple helical domain at the Y position in the canonical Gly-X-Y repeat; although this variant may have an effect on normal protein folding and function, missense substitution at the Y position is not a common mechanism of disease; This variant is associated with the following publications: (PMID: 38378725, 30919572, 36777185)

Baylor Genetics
Classification: Uncertain significance for Stickler syndrome type 2. Last evaluated: 2019-11-07. Review status: criteria provided, single submitter. Criteria: ACMG Guidelines, 2015. Collection method: clinical testing. Allele origin: unknown. Affected: yes.
Comment: This variant was determined to be of uncertain significance according to ACMG Guidelines, 2015 [PMID:25741868].

Literature cited by the submitters: PubMed 30919572 (cited by Labcorp Genetics (formerly Invitae), Labcorp).